The following is an entry in ClinVar:

NM_144687.4(NLRP12):c.1832T>C (p.Leu611Ser)

Gene: NLRP12 (NLR family pyrin domain containing 12; minus strand). Cytogenetic location: 19q13.42.
Variant type: single nucleotide variant.
Coding change: c.1832T>C on transcript NM_144687.4 (MANE Select); coding-DNA position 1832, T replaced by C.
Protein change: p.Leu611Ser; replaces leucine 611 with serine.
Molecular consequence: missense variant.
Genome position (GRCh38, 1-based): chr19:53,809,827, A>G on the plus strand (T>C on the coding strand, the complement: NLRP12 is on the minus strand). VCF-style: chr19-53809827-A-G. GRCh37 (hg19) VCF-style: chr19-54313081-A-G.
Other names: p.Leu611Ser; c.1832T>C, p.Leu611Ser (NM_001277126.2, NM_001277129.1); c.1832T>C (NM_144687.3); short protein forms L611S.
Identifiers: ClinVar variation 2803023 (VCV002803023.4), dbSNP rs2514332180, ClinGen allele CA407412408.

ClinVar aggregate classification (germline): Uncertain significance. Review status: criteria provided, multiple submitters, no conflicts (2 of 4 stars). 2 submissions from 2 submitters: Uncertain significance (2). Last evaluated 2025-07-02.

Conditions:
Familial cold autoinflammatory syndrome 2 (FCAS2). Identifiers: Orphanet 247868, MedGen C2673198, MONDO:0012724, OMIM 611762.

Allele frequency attached by ClinVar (database versions not stated): gnomAD exomes below 0.00001.

Submissions (2):

Mayo Clinic Laboratories, Mayo Clinic
Classification: Uncertain significance. Last evaluated: 2025-07-02. Review status: criteria provided, single submitter. Criteria: ACMG Guidelines, 2015. Collection method: clinical testing. Allele origin: germline. Observed: 1 variant allele.
Comment: PP3_moderate, PM2_supporting

Labcorp Genetics (formerly Invitae), Labcorp
Classification: Uncertain significance for Familial cold autoinflammatory syndrome 2. Last evaluated: 2023-10-05. Review status: criteria provided, single submitter. Criteria: Invitae Variant Classification Sherloc (09022015). Collection method: clinical testing. Allele origin: germline.
Comment: This sequence change replaces leucine, which is neutral and non-polar, with serine, which is neutral and polar, at codon 611 of the NLRP12 protein (p.Leu611Ser). This variant is not present in population databases (gnomAD no frequency). This variant has not been reported in the literature in individuals affected with NLRP12-related conditions. Advanced modeling of protein sequence and biophysical properties (such as structural, functional, and spatial information, amino acid conservation, physicochemical variation, residue mobility, and thermodynamic stability) has been performed at Invitae for this missense variant, however the output from this modeling did not meet the statistical confidence thresholds required to predict the impact of this variant on NLRP12 protein function. In summary, the available evidence is currently insufficient to determine the role of this variant in disease. Therefore, it has been classified as a Variant of Uncertain Significance.